The following is an entry in ClinVar:

NM_020070.4(IGLL1):c.284C>T (p.Thr95Met)

Gene: IGLL1 (immunoglobulin lambda like polypeptide 1; minus strand). Cytogenetic location: 22q11.23.
Variant type: single nucleotide variant.
Coding change: c.284C>T on transcript NM_020070.4 (MANE Select); coding-DNA position 284, C replaced by T.
Protein change: p.Thr95Met; replaces threonine 95 with methionine.
Molecular consequence: missense variant. On other transcripts: intron variant (1).
Genome position (GRCh38, 1-based): chr22:23,575,005, G>A on the plus strand (C>T on the coding strand, the complement: IGLL1 is on the minus strand). VCF-style: chr22-23575005-G-A. GRCh37 (hg19) VCF-style: chr22-23917192-G-A.
Other names: c.207-1420C>T (NM_152855.3); c.287C>T, p.Thr96Met (NM_001369906.1); short protein forms T96M, T95M.
Identifiers: ClinVar variation 2884473 (VCV002884473.3), dbSNP rs116041505, ClinGen allele CA10143353.
Genomic context (GRCh38, chr22:23,575,005, plus strand): 5'-CTGGGAAGTTAGAGCCACTTACTTAAAACGGTGAGCTGGGTCCCGCTGCCAAACACATGC[G>A]TCACTGAGTTATGCTTGGATTGAAACCCCCGGGGCCAGCACCTGGGGCCAGTCCAGGAGC-3'
Protein context (NP_064455.1, residues 85-105): RGFQSKHNSV[Thr95Met]HVFGSGTQLT

ClinVar aggregate classification (germline): Uncertain significance (1 of 4 stars; one submission).

Conditions:
Agammaglobulinemia 2, autosomal recessive (AGM2). Also called: AGAMMAGLOBULINEMIA, AUTOSOMAL RECESSIVE, DUE TO IGLL1 DEFECT. Identifiers: MedGen C3150750, MONDO:0013287, OMIM 613500.

Submission:

Labcorp Genetics (formerly Invitae), Labcorp
Classification: Uncertain significance for Agammaglobulinemia 2, autosomal recessive. Last evaluated: 2023-10-20. Review status: criteria provided, single submitter. Criteria: Invitae Variant Classification Sherloc (09022015). Collection method: clinical testing. Allele origin: germline.
Comment: This sequence change replaces threonine, which is neutral and polar, with methionine, which is neutral and non-polar, at codon 95 of the IGLL1 protein (p.Thr95Met). This variant is present in population databases (rs116041505, gnomAD 0.05%). This variant has not been reported in the literature in individuals affected with IGLL1-related conditions. An algorithm developed to predict the effect of missense changes on protein structure and function (PolyPhen-2) suggests that this variant is likely to be tolerated. In summary, the available evidence is currently insufficient to determine the role of this variant in disease. Therefore, it has been classified as a Variant of Uncertain Significance.